The following is an entry in ClinVar:

NM_014889.4(PITRM1):c.73G>A (p.Ala25Thr)

Gene: PITRM1 (pitrilysin metallopeptidase 1; minus strand). Cytogenetic location: 10p15.2.
Variant type: single nucleotide variant.
Coding change: c.73G>A on transcript NM_014889.4 (MANE Select); coding-DNA position 73, G replaced by A.
Protein change: p.Ala25Thr; replaces alanine 25 with threonine.
Molecular consequence: missense variant. On other transcripts: 5 prime UTR variant (3), non-coding transcript variant (4), intron variant (1).
Genome position (GRCh38, 1-based): chr10:3,170,190, C>T on the plus strand (G>A on the coding strand, the complement: PITRM1 is on the minus strand). VCF-style: chr10-3170190-C-T. GRCh37 (hg19) VCF-style: chr10-3212382-C-T.
Other names: c.73G>A, p.Ala25Thr (NM_001242307.2, NM_001347725.2); c.-499G>A (NM_001347726.2, NM_001347727.2); c.-1228G>A (NM_001347728.2); c.49G>A, p.Ala17Thr (NM_001347729.1, NM_001347730.1); c.63+2527G>A (NM_001242309.1); short protein forms A25T, A17T.
Identifiers: ClinVar variation 4978183 (VCV004978183.1).
Genomic context (GRCh38, chr10:3,170,190, plus strand): 5'-TGTCTCCTAGTTTATACTGCAGAGCCCTCTCACAAGCCCGGTTACTGTTCCATCGCCACG[C>T]TCTGTGGTGTGCATGTCTAGATTAAAAGTCATCTAAGTTAGATGAGTTGCAGGAAAAGTA-3'
Protein context (NP_055704.2, residues 15-35): RLSGGHAHHR[Ala25Thr]WRWNSNRACE

ClinVar aggregate classification (germline): Likely benign (1 of 4 stars; one submission).

Conditions:
PITRM1-related disorder. Also called: PITRM1-related condition.

gnomAD v4.1: 117 of 1,613,600 alleles (0.0073%); highest among the groups gnomAD compares: African/African-American, 0.13%; no homozygotes.

Submission:

PreventionGenetics, part of Exact Sciences
Classification: Likely benign for PITRM1-related condition. Last evaluated: 2025-07-23. Review status: criteria provided, single submitter. Criteria: ACMG Guidelines, 2015. Collection method: clinical testing. Allele origin: germline.
Comment: This variant is classified as likely benign based on ACMG/AMP sequence variant interpretation guidelines (Richards et al. 2015 PMID: 25741868, with internal and published modifications).